The following is an entry in ClinVar:

NM_001267550.2(TTN):c.18028+9del

Gene: TTN (titin; minus strand). Cytogenetic location: 2q31.2.
Variant type: Deletion.
Coding change: c.18028+9del on transcript NM_001267550.2 (MANE Select); 9 bases into the intron after coding-DNA position 18028, one base deleted (A; older notation c.18028+9delA).
Molecular consequence: intron variant.
Genome position (GRCh38, 1-based): chr2:178,730,496, T deleted on the plus strand (A on the coding strand, the reverse complement: TTN is on the minus strand); the first of 3 consecutive T bases (chr2:178,730,496-178,730,498); deleting any one gives the same sequence. VCF-style (leftmost placement, unchanged base first): chr2-178730495-AT-A. GRCh37 (hg19) VCF-style: chr2-179595222-AT-A.
Other names: c.18028+9delA (NM_001267550.2); c.13282+7586del (NM_003319.4); c.13858+7586del (NM_133437.4); c.13657+7586del (NM_133432.3); c.14296+9del (NM_133378.4); c.17077+9del (NM_001256850.1).
Identifiers: ClinVar variation 706043 (VCV000706043.13), dbSNP rs762719446, ClinGen allele CA2001704.

ClinVar aggregate classification (germline): Likely benign. Review status: criteria provided, single submitter (1 of 4 stars). 2 submissions from 2 submitters: Likely benign (1). 1 of the submissions does not count toward it. Last evaluated 2026-02-03.

Conditions:
TTN-related disorder. Also called: TTN-related condition; TTN-related disease; TTN-related disorders.
Autosomal recessive limb-girdle muscular dystrophy type 2J (LGMDR10). Also called: MUSCULAR DYSTROPHY, LIMB-GIRDLE, AUTOSOMAL RECESSIVE 10; Limb-girdle muscular dystrophy, type 2J. Identifiers: Orphanet 140922, MedGen C1837342, MONDO:0012127, OMIM 608807.
Dilated cardiomyopathy 1G (CMD1G). Identifiers: Orphanet 154, MedGen C1858763, MONDO:0011400, OMIM 604145.

Submissions (2):

Labcorp Genetics (formerly Invitae), Labcorp
Classification: Likely benign for Dilated cardiomyopathy 1G; Autosomal recessive limb-girdle muscular dystrophy type 2J. Last evaluated: 2026-02-03. Review status: criteria provided, single submitter. Criteria: Invitae Variant Classification Sherloc (09022015). Collection method: clinical testing. Allele origin: germline.

PreventionGenetics, part of Exact Sciences
Classification: Likely benign for TTN-related condition. Last evaluated: 2020-12-31. Review status: no assertion criteria provided. Collection method: clinical testing. Allele origin: germline. Not counted in ClinVar's aggregate classification.
Comment: This variant is classified as likely benign based on ACMG/AMP sequence variant interpretation guidelines (Richards et al. 2015 PMID: 25741868, with internal and published modifications).